The following is an entry in ClinVar:

ClinVar aggregate classification (germline): Uncertain significance. Review status: criteria provided, multiple submitters, no conflicts (2 of 4 stars). 3 submissions from 3 submitters: Uncertain significance (3). Last evaluated 2025-06-23.

Conditions:
Inborn genetic diseases. Identifiers: MedGen C0950123, MeSH D030342.
Neonatal-onset encephalopathy with rigidity and seizures. Also called: Lethal neonatal spasticity-epileptic encephalopathy syndrome. Identifiers: Orphanet 435845, MedGen C3281029, MONDO:0013784, OMIM 614498.

Allele frequency attached by ClinVar (database versions not stated): ExAC 0.00008; gnomAD exomes 0.00010 and 0.00009; gnomAD 0.00014 and 0.00015; TOPMed 0.00008; ESP Exome Variant Server 0.00023.

Submissions (4):

Ambry Genetics
Classification: Uncertain significance for Inborn genetic diseases. Last evaluated: 2025-06-23. Review status: criteria provided, single submitter. Criteria: Ambry Variant Classification Scheme 2023. Collection method: clinical testing. Allele origin: germline.

Labcorp Genetics (formerly Invitae), Labcorp
Classification: Uncertain significance for Neonatal-onset encephalopathy with rigidity and seizures. Last evaluated: 2022-08-12. Review status: criteria provided, single submitter. Criteria: Invitae Variant Classification Sherloc (09022015). Collection method: clinical testing. Allele origin: germline.
Comment: This sequence change replaces threonine, which is neutral and polar, with serine, which is neutral and polar, at codon 440 of the BRAT1 protein (p.Thr440Ser). This variant is present in population databases (rs141751133, gnomAD 0.02%). This variant has not been reported in the literature in individuals affected with BRAT1-related conditions. ClinVar contains an entry for this variant (Variation ID: 959769). Algorithms developed to predict the effect of missense changes on protein structure and function (SIFT, PolyPhen-2, Align-GVGD) all suggest that this variant is likely to be tolerated. Algorithms developed to predict the effect of sequence changes on RNA splicing suggest that this variant may create or strengthen a splice site. In summary, the available evidence is currently insufficient to determine the role of this variant in disease. Therefore, it has been classified as a Variant of Uncertain Significance.

GeneDx
Classification: Uncertain significance. Last evaluated: 2019-10-14. Review status: criteria provided, single submitter. Criteria: GeneDx Variant Classification Process June 2021. Collection method: clinical testing. Allele origin: germline. Affected: yes.
Comment: In silico analysis, which includes protein predictors and evolutionary conservation, supports that this variant does not alter protein structure/function; Has not been previously published as pathogenic or benign to our knowledge

Dr. Peter K. Rogan Lab, Western University
No classification provided (evidence only). Condition: Clear cell carcinoma of kidney. Review status: no classification provided. Collection method: in vitro. Allele origin: not applicable. Functional consequence: retained intron. Not counted in ClinVar's aggregate classification.

NM_152743.4(BRAT1):c.1318A>T (p.Thr440Ser)

Gene: BRAT1 (BRCA1 associated ATM activator 1; minus strand). Cytogenetic location: 7p22.3.
Variant type: single nucleotide variant.
Coding change: c.1318A>T on transcript NM_152743.4 (MANE Select); coding-DNA position 1318, A replaced by T.
Protein change: p.Thr440Ser; replaces threonine 440 with serine.
Molecular consequence: missense variant. On other transcripts: non-coding transcript variant (1).
Genome position (GRCh38, 1-based): chr7:2,541,301, T>A on the plus strand (A>T on the coding strand, the complement: BRAT1 is on the minus strand). VCF-style: chr7-2541301-T-A. GRCh37 (hg19) VCF-style: chr7-2580935-T-A.
Other names: c.1318A>T, p.Thr440Ser (NM_001350626.2); c.793A>T, p.Thr265Ser (NM_001350627.2); short protein forms T440S, T265S.
Identifiers: ClinVar variation 959769 (VCV000959769.13), dbSNP rs141751133, ClinGen allele CA4127838.
Genomic context (GRCh38, chr7:2,541,301, plus strand): 5'-AAGGAGAGTGGGGGCACAGGGATAGCCCCACGCCAAAGCCGTACAGAACACACTCACCTG[T>A]CCCCTGTGACAGCGTCCCCAGGAAGTCGAGGGCTGCTCGCTGGACCCGGACGCAGCCCGC-3'
Protein context (NP_689956.2, residues 430-450): LDFLGTLSQG[Thr440Ser]GPQELVTQAL